The following is an entry in ClinVar:

NM_177438.3(DICER1):c.3758A>G (p.Asp1253Gly)

Gene: DICER1 (dicer 1, ribonuclease III; minus strand). Cytogenetic location: 14q32.13.
Variant type: single nucleotide variant.
Coding change: c.3758A>G on transcript NM_177438.3 (MANE Select); coding-DNA position 3758, A replaced by G.
Protein change: p.Asp1253Gly; replaces aspartic acid 1253 with glycine.
Molecular consequence: missense variant.
Genome position (GRCh38, 1-based): chr14:95,103,638, T>C on the plus strand (A>G on the coding strand, the complement: DICER1 is on the minus strand). VCF-style: chr14-95103638-T-C. GRCh37 (hg19) VCF-style: chr14-95569975-T-C.
Other names: c.3758A>G, p.Asp1253Gly (NM_001195573.1, NM_001271282.3, NM_001291628.2 and 1 more transcripts); short protein forms D1253G.
Identifiers: ClinVar variation 1055511 (VCV001055511.13), dbSNP rs2139960446, ClinGen allele CA390873632.

ClinVar aggregate classification (germline): Uncertain significance. Review status: criteria provided, multiple submitters, no conflicts (2 of 4 stars). 2 submissions from 2 submitters: Uncertain significance (2). Last evaluated 2025-08-07.

Conditions:
Hereditary cancer-predisposing syndrome. Also called: Hereditary Cancer Syndrome; Tumor predisposition; Hereditary neoplastic syndrome; Neoplastic Syndromes, Hereditary. Identifiers: Orphanet 140162, MedGen C0027672, MeSH D009386, MONDO:0015356.
DICER1-related tumor predisposition. Also called: DICER1-related pleuropulmonary blastoma cancer predisposition syndrome; DICER1 syndrome. Identifiers: Orphanet 284343, MedGen C3839822, MONDO:0100216.

Allele frequency attached by ClinVar (database versions not stated): gnomAD exomes below 0.00001.
gnomAD v4.1: 1 of 1,614,194 alleles (0.000062%); highest among the groups gnomAD compares: South Asian, 0.0011%; no homozygotes.

Submissions (2):

Ambry Genetics
Classification: Uncertain significance for Hereditary cancer-predisposing syndrome. Last evaluated: 2025-08-07. Review status: criteria provided, single submitter. Criteria: Ambry Variant Classification Scheme 2023. Collection method: clinical testing. Allele origin: germline.
Comment: The p.D1253G variant (also known as c.3758A>G), located in coding exon 20 of the DICER1 gene, results from an A to G substitution at nucleotide position 3758. The aspartic acid at codon 1253 is replaced by glycine, an amino acid with similar properties. This amino acid position is well conserved in available vertebrate species. In addition, the in silico prediction for this alteration is inconclusive. Based on the available evidence, the clinical significance of this variant remains unclear.

Labcorp Genetics (formerly Invitae), Labcorp
Classification: Uncertain significance for DICER1-related tumor predisposition. Last evaluated: 2025-02-20. Review status: criteria provided, single submitter. Criteria: Invitae Variant Classification Sherloc (09022015). Collection method: clinical testing. Allele origin: germline.
Comment: This sequence change replaces aspartic acid, which is acidic and polar, with glycine, which is neutral and non-polar, at codon 1253 of the DICER1 protein (p.Asp1253Gly). This variant is not present in population databases (gnomAD no frequency). This variant has not been reported in the literature in individuals affected with DICER1-related conditions. ClinVar contains an entry for this variant (Variation ID: 1055511). Invitae Evidence Modeling of protein sequence and biophysical properties (such as structural, functional, and spatial information, amino acid conservation, physicochemical variation, residue mobility, and thermodynamic stability) indicates that this missense variant is not expected to disrupt DICER1 protein function with a negative predictive value of 95%. In summary, the available evidence is currently insufficient to determine the role of this variant in disease. Therefore, it has been classified as a Variant of Uncertain Significance.